The following is an entry in ClinVar:

NM_019066.5(MAGEL2):c.1423G>T (p.Ala475Ser)

Gene: MAGEL2 (MAGE family member L2; minus strand). Cytogenetic location: 15q11.2.
Variant type: single nucleotide variant.
Coding change: c.1423G>T on transcript NM_019066.5 (MANE Select); coding-DNA position 1423, G replaced by T.
Protein change: p.Ala475Ser; replaces alanine 475 with serine.
Molecular consequence: missense variant.
Genome position (GRCh38, 1-based): chr15:23,646,320, C>A on the plus strand (G>T on the coding strand, the complement: MAGEL2 is on the minus strand). VCF-style: chr15-23646320-C-A. GRCh37 (hg19) VCF-style: chr15-23891467-C-A.
Other names: short protein forms A475S.
Identifiers: ClinVar variation 193402 (VCV000193402.34), dbSNP rs760039339, ClinGen allele CA238919.

ClinVar aggregate classification (germline): Conflicting classifications of pathogenicity. Review status: criteria provided, conflicting classifications (1 of 4 stars). 8 submissions from 8 submitters: Uncertain significance (2); Benign (1); Likely benign (2). 3 of the submissions do not count toward it. Last evaluated 2025-05-27.

Conditions:
Inborn genetic diseases. Identifiers: MedGen C0950123, MeSH D030342.
Schaaf-Yang syndrome (SHFYNG). Also called: MAGEL2-related Prader-Willi-like syndrome; Arthrogryposis, distal, with hypopituitarism, intellectual disability, and facial anomalies. Identifiers: Orphanet 398069, MedGen C5575066, MONDO:0014243, OMIM 615547.

Allele frequency attached by ClinVar (database versions not stated): gnomAD exomes 0.00017; TOPMed 0.00026; gnomAD 0.00040; ExAC 0.00061.
gnomAD v4.1: 644 of 1,374,826 alleles (0.047%); highest among the groups gnomAD compares: Non-Finnish European, 0.056%; no homozygotes.

Submissions (8):

Labcorp Genetics (formerly Invitae), Labcorp
Classification: Likely benign. Last evaluated: 2025-05-27. Review status: criteria provided, single submitter. Criteria: Invitae Variant Classification Sherloc (09022015). Collection method: clinical testing. Allele origin: germline.

CeGaT Center for Human Genetics Tuebingen
Classification: Benign. Last evaluated: 2025-02-01. Review status: criteria provided, single submitter. Criteria: CeGaT Center For Human Genetics Tuebingen Variant Classification Criteria Version 2. Collection method: clinical testing. Allele origin: germline. Affected: yes. Observed: 1 variant allele.
Comment: MAGEL2: BS1, BS2

Ambry Genetics
Classification: Likely benign for Inborn genetic diseases. Last evaluated: 2024-03-30. Review status: criteria provided, single submitter. Criteria: Ambry Variant Classification Scheme 2023. Collection method: clinical testing. Allele origin: germline.

Revvity Omics, Revvity
Classification: Uncertain significance for Schaaf-Yang syndrome. Last evaluated: 2022-12-22. Review status: criteria provided, single submitter. Criteria: ACMG Guidelines, 2015. Collection method: clinical testing. Allele origin: germline.

Eurofins Ntd Llc (ga)
Classification: Uncertain significance. Last evaluated: 2016-08-29. Review status: criteria provided, single submitter. Criteria: EGL Classification Definitions 2015. Collection method: clinical testing. Allele origin: germline. Observed: 2 variant alleles, 2 heterozygotes.

Clinical Genetics DNA and cytogenetics Diagnostics Lab, Erasmus MC, Erasmus Medical Center
Classification: Likely benign. Review status: no assertion criteria provided. Collection method: clinical testing. Allele origin: germline. Affected: yes. Study: VKGL Data-share Consensus. Not counted in ClinVar's aggregate classification.

Genome Diagnostics Laboratory, University Medical Center Utrecht
Classification: Likely benign. Review status: no assertion criteria provided. Collection method: clinical testing. Allele origin: germline. Affected: yes. Study: VKGL Data-share Consensus. Not counted in ClinVar's aggregate classification.

Laboratory of Diagnostic Genome Analysis, Leiden University Medical Center (LUMC)
Classification: Likely benign. Review status: no assertion criteria provided. Collection method: clinical testing. Allele origin: germline. Affected: yes. Study: VKGL Data-share Consensus. Not counted in ClinVar's aggregate classification.